The following is an entry in ClinVar:

ClinVar aggregate classification (germline): Benign. Review status: criteria provided, multiple submitters, no conflicts (2 of 4 stars). 6 submissions from 6 submitters: Benign (5). 1 of the submissions does not count toward it. Last evaluated 2024-11-25.

Conditions:
CSF2RA-related disorder. Also called: CSF2RA-related condition.
Surfactant metabolism dysfunction, pulmonary, 4 (SMDP4). Also called: CSF2RA DEFICIENCY; PAP DUE TO CSF2RA DEFICIENCY; PULMONARY ALVEOLAR PROTEINOSIS, CONGENITAL, 4. Identifiers: Orphanet 264675, MedGen C2677877, MONDO:0010424, OMIM 300770.

Allele frequency attached by ClinVar (database versions not stated): gnomAD exomes 0.02062; ExAC 0.02553; gnomAD 0.07946 and 0.08526; 1000 Genomes Project 0.08636; 1000 Genomes Project 30x 0.08928; TOPMed 0.08965; ESP Exome Variant Server 0.09309.
gnomAD v4.1: 24,362 of 1,613,916 alleles (1.5%); highest among the groups gnomAD compares: African/African-American, 28%; 3,001 homozygotes.

Submissions (6):

Blueprint Genetics
Classification: Benign. Last evaluated: 2024-11-25. Review status: criteria provided, single submitter. Criteria: ACMG Guidelines, 2015. Collection method: clinical testing. Allele origin: germline.

GeneDx
Classification: Benign. Last evaluated: 2019-01-13. Review status: criteria provided, single submitter. Criteria: GeneDx Variant Classification Process June 2021. Collection method: clinical testing. Allele origin: germline. Affected: yes.

Institute of Human Genetics, University of Leipzig Medical Center
Classification: Benign for Surfactant metabolism dysfunction, pulmonary, 4. Last evaluated: 2019-01-01. Review status: criteria provided, single submitter. Criteria: ACMG Guidelines, 2015. Collection method: clinical testing. Allele origin: unknown. Affected: yes.

Laboratory for Molecular Medicine, Mass General Brigham Personalized Medicine
Classification: Benign. Last evaluated: 2013-02-21. Review status: criteria provided, single submitter. Criteria: LMM Criteria. Collection method: clinical testing. Allele origin: germline. Observed: 6 variant alleles.
Comment: *9G>A in exon 14 of CSF2RA: This variant is not expected to have clinical signif icance because it has been identified in 27.2% (1198/4406) of African American c hromosomes from a broad population by the NHLBI Exome Sequencing Project (dbSNP rs141486727).

Breakthrough Genomics
Classification: Benign. Review status: criteria provided, single submitter. Criteria: ACMG Guidelines, 2015. Collection method: not provided. Allele origin: germline. Inheritance: Unknown mechanism. Affected: yes.

PreventionGenetics, part of Exact Sciences
Classification: Benign for CSF2RA-related condition. Last evaluated: 2019-06-13. Review status: no assertion criteria provided. Collection method: clinical testing. Allele origin: germline. Not counted in ClinVar's aggregate classification.
Comment: This variant is classified as benign based on ACMG/AMP sequence variant interpretation guidelines (Richards et al. 2015 PMID: 25741868, with internal and published modifications).

NM_172245.4(CSF2RA):c.*9G>A

Gene: CSF2RA (colony stimulating factor 2 receptor subunit alpha; plus strand). Cytogenetic location: Xp22.33.
Variant type: single nucleotide variant.
Coding change: c.*9G>A on transcript NM_172245.4 (MANE Select); 9 bases downstream of the stop codon, G replaced by A.
Molecular consequence: 3 prime UTR variant. On other transcripts: missense variant (1), non-coding transcript variant (1), intron variant (6).
Genome position (GRCh38, 1-based): chrX:1,309,488, G>A. VCF-style: chrX-1309488-G-A. GRCh37 (hg19) VCF-style: chrX-1428381-G-A.
Other names: c.*9G>A (NM_001161529.2, NM_001161530.2, NM_001161532.2 and 7 more transcripts); c.*113G>A (NM_001379167.1, NM_001379168.1, NM_001379169.1 and 2 more transcripts); c.1033G>A, p.Gly345Arg (NM_172246.4); c.1125+3961G>A (NM_001379163.1, NM_001379162.1, NM_001379164.1 and 2 more transcripts); c.1126-2781G>A (NM_001379159.1); short protein forms G345R.
Identifiers: ClinVar variation 178719 (VCV000178719.12), dbSNP rs2229236, ClinGen allele CA182878.
Genomic context (GRCh38, chrX:1,309,488, plus strand): 5'-GGAAGGGAAAGGCTACCGCGAAGAGGTCTTGACCGTGAAGGAAATTACCTGAGACCCAGA[G>A]GGTGTAGGAATGGCATGGACATCTCCGCCTCCGCGACACGGGGGAACTGTTTTCTTGATG-3'